The following is an entry in ClinVar:

NM_001164508.2(NEB):c.22814_22818del (p.Glu7605fs)

Genes: NEB (nebulin; minus strand), RIF1 (replication timing regulatory factor 1; plus strand). Cytogenetic location: 2q23.3.
Variant type: Deletion.
Coding change: c.22814_22818del on transcript NM_001164508.2 (MANE Select); coding-DNA positions 22814 to 22818, 5 bases deleted (AAAAG; older notation c.22814_22818delAAAAG).
Protein change: p.Glu7605fs; shifts the reading frame from glutamic acid 7605.
Molecular consequence: frameshift variant.
Genome position (GRCh38, 1-based): chr2:151,516,546-151,516,550, CTTTT deleted on the plus strand (AAAAG on the coding strand, the reverse complement: NEB is on the minus strand); deleting any 5 consecutive bases within chr2:151,516,546-151,516,554 gives the same sequence; the c. name uses the placement nearest the transcript's 3' end. VCF-style (leftmost placement, unchanged base first): chr2-151516545-ACTTTT-A. GRCh37 (hg19) VCF-style: chr2-152373059-ACTTTT-A.
Other names: c.22814_22818del, p.Glu7605fs (NM_001164507.2); c.22919_22923del, p.Glu7640fs (NM_001271208.2); c.17711_17715del, p.Glu5904fs (NM_004543.5); short protein forms E7605fs, E5904fs, E7640fs.
Identifiers: ClinVar variation 2097282 (VCV002097282.4), dbSNP rs2552085411, ClinGen allele CA2580063994.
Genomic context (GRCh38, chr2:151,516,545, plus strand): 5'-TGGCAGTGATGTACGTTGGTGTTTCAAAGTCCAGCATGGGTTTTCCTCGTTCCTTTTCAT[ACTTTT>A]CTTTGTATTTCACCTGGTGATAGAAAGCCATGTTAGATATCTCTCCTCTGGTCAATTCCT-3'

ClinVar aggregate classification (germline): Pathogenic (1 of 4 stars; one submission).

Conditions:
Nemaline myopathy 2 (NEM2). Also called: Nemaline myopathy 2, autosomal recessive. Identifiers: MedGen C1850569, MONDO:0009725, OMIM 256030.

Submission:

Labcorp Genetics (formerly Invitae), Labcorp
Classification: Pathogenic for Nemaline myopathy 2. Last evaluated: 2022-02-12. Review status: criteria provided, single submitter. Criteria: Invitae Variant Classification Sherloc (09022015). Collection method: clinical testing. Allele origin: germline.
Comment: This sequence change creates a premature translational stop signal (p.Glu7640Valfs*2) in the NEB gene. It is expected to result in an absent or disrupted protein product. Loss-of-function variants in NEB are known to be pathogenic (PMID: 25205138). This variant is not present in population databases (gnomAD no frequency). This variant has not been reported in the literature in individuals affected with NEB-related conditions. Algorithms developed to predict the effect of sequence changes on RNA splicing suggest that this variant may create or strengthen a splice site. For these reasons, this variant has been classified as Pathogenic.

Literature cited by the submitters: PubMed 25205138.